The following is an entry in ClinVar:

NM_001270974.2(HYDIN):c.3493C>T (p.Pro1165Ser)

Gene: HYDIN (HYDIN axonemal central pair apparatus protein; minus strand). Cytogenetic location: 16q22.2.
Variant type: single nucleotide variant.
Coding change: c.3493C>T on transcript NM_001270974.2 (MANE Select); coding-DNA position 3493, C replaced by T.
Protein change: p.Pro1165Ser; replaces proline 1165 with serine.
Molecular consequence: missense variant.
Genome position (GRCh38, 1-based): chr16:71,018,280, G>A on the plus strand (C>T on the coding strand, the complement: HYDIN is on the minus strand). VCF-style: chr16-71018280-G-A. GRCh37 (hg19) VCF-style: chr16-71052183-G-A.
Other names: short protein forms P1165S.
Identifiers: ClinVar variation 4531108 (VCV004531108.1).

ClinVar aggregate classification (germline): Uncertain significance (1 of 4 stars; one submission).

Submission:

GeneDx
Classification: Uncertain significance. Last evaluated: 2025-05-19. Review status: criteria provided, single submitter. Criteria: GeneDx Variant Classification Process June 2021. Collection method: clinical testing. Allele origin: germline. Affected: yes.
Comment: Not observed at significant frequency in large population cohorts (gnomAD); In silico analysis supports that this missense variant has a deleterious effect on protein structure/function; Has not been previously published as pathogenic or benign to our knowledge